The following is an entry in ClinVar:

NM_001162501.2(TNRC6B):c.1134dup (p.Asn379Ter)

Gene: TNRC6B (trinucleotide repeat containing adaptor 6B; plus strand). Cytogenetic location: 22q13.1.
Variant type: Duplication.
Coding change: c.1134dup on transcript NM_001162501.2 (MANE Select); coding-DNA position 1134, one base duplicated (T; older notation c.1134dupT).
Protein change: p.Asn379Ter; replaces asparagine 379 with a stop codon.
Molecular consequence: nonsense. On other transcripts: intron variant (1).
Genome position (GRCh38, 1-based): chr22:40,265,364, T duplicated. VCF-style (leftmost placement, unchanged base first): chr22-40265363-C-CT. GRCh37 (hg19) VCF-style: chr22-40661367-C-CT.
Other names: c.1134dup, p.Asn379Ter (NM_015088.3); c.565+3191dup (NM_001024843.2); short protein forms N379*.
Identifiers: ClinVar variation 4974962 (VCV004974962.1).

ClinVar aggregate classification (germline): Likely pathogenic (1 of 4 stars; one submission).

Conditions:
Global developmental delay with speech and behavioral abnormalities. Identifiers: MedGen C5543226, MONDO:0030995, OMIM 619243.

Submission:

Molecular Diagnostics Laboratory, M Health Fairview: University of Minnesota
Classification: Likely pathogenic for Global developmental delay with speech and behavioral abnormalities. Last evaluated: 2026-04-22. Review status: criteria provided, single submitter. Criteria: ACMG Guidelines, 2015. Collection method: clinical testing. Allele origin: germline. Affected: yes.
Comment: The c.1134dup (p.Asn379*) variant results from the insertion of a single nucleotide, and is predicted to result in the creation of a stop codon in exon 5 of the TNRC6B gene, which consists of 23 total exons. This variant is expected to result in a truncated or absent protein product in a gene where loss of function is a known mechanism of disease [PMID: 32152250]. This variant is absent from the gnomAD (v4.1.0) database of approximately 800,000 controls. This variant has not been reported in the ClinVar database. This variant has not been reported in a review of relevant medical literature. Based upon the available evidence, this variant is classified as likely pathogenic.

Literature cited by the submitters: PubMed 32152250.